The following is an entry in ClinVar:

ClinVar aggregate classification (germline): Uncertain significance (1 of 4 stars; one submission).

Conditions:
Developmental and epileptic encephalopathy, 34 (DEE34). Also called: Early infantile epileptic encephalopathy 34; SLC12A5-Related Epilepsy of Infancy with Migrating Focal Seizures. Identifiers: Orphanet 293181, MedGen C4225257, MONDO:0014718, OMIM 616645.

Submission:

Labcorp Genetics (formerly Invitae), Labcorp
Classification: Uncertain significance for Developmental and epileptic encephalopathy, 34. Last evaluated: 2024-04-16. Review status: criteria provided, single submitter. Criteria: Invitae Variant Classification Sherloc (09022015). Collection method: clinical testing. Allele origin: germline.
Comment: This sequence change replaces serine, which is neutral and polar, with asparagine, which is neutral and polar, at codon 25 of the SLC12A5 protein (p.Ser25Asn). This variant is not present in population databases (gnomAD no frequency). This variant has not been reported in the literature in individuals affected with SLC12A5-related conditions. Advanced modeling of protein sequence and biophysical properties (such as structural, functional, and spatial information, amino acid conservation, physicochemical variation, residue mobility, and thermodynamic stability) performed at Invitae indicates that this missense variant is not expected to disrupt SLC12A5 protein function with a negative predictive value of 80%. In summary, the available evidence is currently insufficient to determine the role of this variant in disease. Therefore, it has been classified as a Variant of Uncertain Significance.

NM_020708.5(SLC12A5):c.74G>A (p.Ser25Asn)

Gene: SLC12A5 (solute carrier family 12 member 5; plus strand). Cytogenetic location: 20q13.12.
Variant type: single nucleotide variant.
Coding change: c.74G>A on transcript NM_020708.5 (MANE Select); coding-DNA position 74, G replaced by A.
Protein change: p.Ser25Asn; replaces serine 25 with asparagine.
Molecular consequence: missense variant.
Genome position (GRCh38, 1-based): chr20:46,034,969, G>A. VCF-style: chr20-46034969-G-A. GRCh37 (hg19) VCF-style: chr20-44663608-G-A.
Other names: c.143G>A, p.Ser48Asn (NM_001134771.2); short protein forms S25N, S48N.
Identifiers: ClinVar variation 3646330 (VCV003646330.2).
Genomic context (GRCh38, chr20:46,034,969, plus strand): 5'-CTGATTGGTTCCAGATCCCTGACCCCTCTCCCTTCTCAGGTGATGGCAACCCCAAGGAAA[G>A]CAGTCCCTTCATCAACAGCACCGACACAGAGAAGGGAAAGGAGTATGATGGCAAGAACAT-3'
Protein context (NP_065759.1, residues 15-35): ANPGDGNPKE[Ser25Asn]SPFINSTDTE